The following is an entry in ClinVar:

ClinVar aggregate classification (germline): Uncertain significance (1 of 4 stars; one submission).

Conditions:
Progressive sclerosing poliodystrophy (MTDPS4A). Also called: ALPERS PROGRESSIVE INFANTILE POLIODYSTROPHY; NEURONAL DEGENERATION OF CHILDHOOD WITH LIVER DISEASE, PROGRESSIVE; Mitochondrial DNA depletion syndrome 4A (Alpers type); Mitochondrial DNA Depletion Syndrome 4A; Alpers-Huttenlocher Syndrome (AHS); Alpers Syndrome. Identifiers: Orphanet 726, MedGen C0205710, MONDO:0008758, OMIM 203700.

Submission:

Labcorp Genetics (formerly Invitae), Labcorp
Classification: Uncertain significance for Progressive sclerosing poliodystrophy. Last evaluated: 2023-11-13. Review status: criteria provided, single submitter. Criteria: Invitae Variant Classification Sherloc (09022015). Collection method: clinical testing. Allele origin: germline.
Comment: This sequence change replaces tryptophan, which is neutral and slightly polar, with cysteine, which is neutral and slightly polar, at codon 1049 of the POLG protein (p.Trp1049Cys). This variant is not present in population databases (gnomAD no frequency). This variant has not been reported in the literature in individuals affected with POLG-related conditions. Advanced modeling of protein sequence and biophysical properties (such as structural, functional, and spatial information, amino acid conservation, physicochemical variation, residue mobility, and thermodynamic stability) performed at Invitae indicates that this missense variant is expected to disrupt POLG protein function with a positive predictive value of 95%. In summary, the available evidence is currently insufficient to determine the role of this variant in disease. Therefore, it has been classified as a Variant of Uncertain Significance.

NM_002693.3(POLG):c.3147G>C (p.Trp1049Cys)

Gene: POLG (DNA polymerase gamma, catalytic subunit; minus strand). Cytogenetic location: 15q26.1.
Variant type: single nucleotide variant.
Coding change: c.3147G>C on transcript NM_002693.3 (MANE Select); coding-DNA position 3147, G replaced by C.
Protein change: p.Trp1049Cys; replaces tryptophan 1049 with cysteine.
Molecular consequence: missense variant.
Genome position (GRCh38, 1-based): chr15:89,319,057, C>G on the plus strand (G>C on the coding strand, the complement: POLG is on the minus strand). VCF-style: chr15-89319057-C-G. GRCh37 (hg19) VCF-style: chr15-89862288-C-G.
Other names: c.3147G>C, p.Trp1049Cys (NM_001126131.2); short protein forms W1049C.
Identifiers: ClinVar variation 2693011 (VCV002693011.3), dbSNP rs2509207902, ClinGen allele CA393751026.